The following is an entry in ClinVar:

NM_004991.4(MECOM):c.522A>C (p.Arg174Ser)

Gene: MECOM (MDS1 and EVI1 complex locus; minus strand). Cytogenetic location: 3q26.2.
Variant type: single nucleotide variant.
Coding change: c.522A>C on transcript NM_004991.4 (MANE Select); coding-DNA position 522, A replaced by C.
Protein change: p.Arg174Ser; replaces arginine 174 with serine.
Molecular consequence: missense variant. On other transcripts: 5 prime UTR variant (12).
Genome position (GRCh38, 1-based): chr3:169,131,520, T>G on the plus strand (A>C on the coding strand, the complement: MECOM is on the minus strand). VCF-style: chr3-169131520-T-G. GRCh37 (hg19) VCF-style: chr3-168849308-T-G.
Other names: c.150A>C, p.Arg50Ser (NM_001105077.4); c.-43A>C (NM_001105078.4, NM_001163999.2, NM_001164000.2 and 9 more transcripts); c.522A>C, p.Arg174Ser (NM_001366466.2, NM_001366473.2); short protein forms R174S, R50S.
Identifiers: ClinVar variation 4859809 (VCV004859809.1).
Genomic context (GRCh38, chr3:169,131,520, plus strand): 5'-ATAGTCTTCGCTCTTCATGAACAGCAGAAGCTCCTCTCCCGGCGCAATGTCTGCAACTAC[T>G]CTATAGAATATCTTTAAAGACAAAATAAAGGTGGATGGAATCAGGAAAGAGAGAGATGTA-3'
Protein context (NP_004982.2, residues 164-184): ACQINDQIFY[Arg174Ser]VVADIAPGEE

ClinVar aggregate classification (germline): Uncertain significance (1 of 4 stars; one submission).

Conditions:
Inborn genetic diseases. Identifiers: MedGen C0950123, MeSH D030342.

gnomAD v4.1: 1 of 1,612,266 alleles (0.000062%); highest among the groups gnomAD compares: African/African-American, 0.0013%; no homozygotes.

Submission:

Ambry Genetics
Classification: Uncertain significance for Inborn genetic diseases. Last evaluated: 2026-06-03. Review status: criteria provided, single submitter. Criteria: Ambry Variant Classification Scheme 2023. Collection method: clinical testing. Allele origin: germline.
Comment: The p.R174S variant (also known as c.522A>C), located in coding exon 4 of the MECOM gene, results from an A to C substitution at nucleotide position 522. The arginine at codon 174 is replaced by serine, an amino acid with dissimilar properties. This amino acid position is conserved. In addition, this alteration is predicted to be tolerated by in silico analysis. Based on the available evidence, the clinical significance of this variant remains unclear.